The following is an entry in ClinVar:

ClinVar aggregate classification (germline): Uncertain significance (1 of 4 stars; one submission).

Conditions:
Primary ciliary dyskinesia 30. Also called: CILIARY DYSKINESIA, PRIMARY, 30, WITH OR WITHOUT SITUS INVERSUS. Identifiers: Orphanet 244, MedGen C4015016, MONDO:0014465, OMIM 616037.

Submission:

Labcorp Genetics (formerly Invitae), Labcorp
Classification: Uncertain significance for Primary ciliary dyskinesia 30. Last evaluated: 2018-11-06. Review status: criteria provided, single submitter. Criteria: Invitae Variant Classification Sherloc (09022015). Collection method: clinical testing. Allele origin: germline.
Comment: In summary, the available evidence is currently insufficient to determine the role of this variant in disease. Therefore, it has been classified as a Variant of Uncertain Significance. Algorithms developed to predict the effect of missense changes on protein structure and function are either unavailable or do not agree on the potential impact of this missense change (SIFT: "Tolerated"; PolyPhen-2: "Probably Damaging"; Align-GVGD: "Class C0"). This variant has not been reported in the literature in individuals with CCDC151-related disease. This variant is not present in population databases (ExAC no frequency). This sequence change replaces proline with threonine at codon 549 of the CCDC151 protein (p.Pro549Thr). The proline residue is moderately conserved and there is a small physicochemical difference between proline and threonine.

NM_145045.5(ODAD3):c.1645C>A (p.Pro549Thr)

Gene: ODAD3 (outer dynein arm docking complex subunit 3; minus strand). Cytogenetic location: 19p13.2.
Variant type: single nucleotide variant.
Coding change: c.1645C>A on transcript NM_145045.5 (MANE Select); coding-DNA position 1645, C replaced by A.
Protein change: p.Pro549Thr; replaces proline 549 with threonine.
Molecular consequence: missense variant.
Genome position (GRCh38, 1-based): chr19:11,421,158, G>T on the plus strand (C>A on the coding strand, the complement: ODAD3 is on the minus strand). VCF-style: chr19-11421158-G-T. GRCh37 (hg19) VCF-style: chr19-11531826-G-T.
Other names: c.1483C>A, p.Pro495Thr (NM_001302453.1); c.1465C>A, p.Pro489Thr (NM_001302454.2); short protein forms P489T, P495T, P549T.
Identifiers: ClinVar variation 653643 (VCV000653643.8), dbSNP rs1599451068, ClinGen allele CA404118822.